The following is an entry in ClinVar:

ClinVar aggregate classification (germline): Pathogenic (1 of 4 stars; one submission).

Submission:

GeneDx
Classification: Pathogenic. Last evaluated: 2025-06-03. Review status: criteria provided, single submitter. Criteria: GeneDx Variant Classification Process June 2021. Collection method: clinical testing. Allele origin: germline. Affected: yes.
Comment: Nonsense variant predicted to result in protein truncation or nonsense mediated decay in a gene for which loss of function is a known mechanism of disease; Not observed at significant frequency in large population cohorts (gnomAD); This variant is associated with the following publications: (PMID: 37013170, 39408704, 33911744, 31938294, 26663538, 26224166, 30544224, 23517242)

NM_015331.3(NCSTN):c.1258C>T (p.Gln420Ter)

Gene: NCSTN (nicastrin; plus strand). Cytogenetic location: 1q23.2.
Variant type: single nucleotide variant.
Coding change: c.1258C>T on transcript NM_015331.3 (MANE Select); coding-DNA position 1258, C replaced by T.
Protein change: p.Gln420Ter; replaces glutamine 420 with a stop codon.
Molecular consequence: nonsense.
Genome position (GRCh38, 1-based): chr1:160,354,196, C>T. VCF-style: chr1-160354196-C-T. GRCh37 (hg19) VCF-style: chr1-160323986-C-T.
Other names: c.1198C>T, p.Gln400Ter (NM_001290184.2); c.844C>T, p.Gln282Ter (NM_001290186.2); c.1258C>T, p.Gln420Ter (NM_001349729.2); short protein forms Q282*, Q400*, Q420*.
Identifiers: ClinVar variation 4536224 (VCV004536224.1).
Genomic context (GRCh38, chr1:160,354,196, plus strand): 5'-ACATTGGAGAAGAGTGGTGCTGGTGTCCCTGCTGTCATCCTCAGGAGGCCAAATCAGTCC[C>T]AGCCTCTCCCACCATCTTCCCTGCAGCGATTTCTTCGAGCTCGAAACATCTCTGGCGTTG-3'